The following is an entry in ClinVar:

NM_001844.5(COL2A1):c.800G>A (p.Gly267Asp)

Gene: COL2A1 (collagen type II alpha 1 chain; minus strand). Cytogenetic location: 12q13.11.
Variant type: single nucleotide variant.
Coding change: c.800G>A on transcript NM_001844.5 (MANE Select); coding-DNA position 800, G replaced by A.
Protein change: p.Gly267Asp; replaces glycine 267 with aspartic acid.
Molecular consequence: missense variant.
Genome position (GRCh38, 1-based): chr12:47,994,440, C>T on the plus strand (G>A on the coding strand, the complement: COL2A1 is on the minus strand). VCF-style: chr12-47994440-C-T. GRCh37 (hg19) VCF-style: chr12-48388223-C-T.
Other names: G67D; c.593G>A, p.Gly198Asp (NM_033150.3); short protein forms G198D, G267D.
Identifiers: ClinVar variation 17364 (VCV000017364.3), dbSNP rs121912872, ClinGen allele CA127156.
Genomic context (GRCh38, chr12:47,994,440, plus strand): 5'-AGACGCTAGGAAAGATGCCTGAGGCTGGGAACGGTGGCGTTTACCTGAGGACCAGGCGGA[C>T]CCCTTTCACCAGCTTTTCCAGGTTTTCCAGCTTCACCCTGAAGGGAGAGAGAGAGATATC-3'
Protein context (NP_001835.3, residues 257-277): AGKPGKAGER[Gly267Asp]PPGPQGARGF

ClinVar aggregate classification (germline): Pathogenic/Likely pathogenic. Review status: criteria provided, multiple submitters, no conflicts (2 of 4 stars). 3 submissions from 3 submitters: Pathogenic (1); Likely pathogenic (1). 1 of the submissions does not count toward it. Last evaluated 2025-05-15.

Conditions:
COL2A1-related disorder. Also called: COL2A1-related condition; COL2A1-related disorders.
Stickler syndrome, type I, nonsyndromic ocular. Also called: STICKLER SYNDROME, ATYPICAL; STICKLER SYNDROME, TYPE I, PREDOMINANTLY OCULAR. Identifiers: MedGen C1836080, MONDO:0012287, OMIM 609508.

Submissions (3):

Labcorp Genetics (formerly Invitae), Labcorp
Classification: Pathogenic. Last evaluated: 2025-05-15. Review status: criteria provided, single submitter. Criteria: Invitae Variant Classification Sherloc (09022015). Collection method: clinical testing. Allele origin: germline.
Comment: This sequence change replaces glycine, which is neutral and non-polar, with aspartic acid, which is acidic and polar, at codon 267 of the COL2A1 protein (p.Gly267Asp). This variant is not present in population databases (gnomAD no frequency). This missense change has been observed in individuals with clinical features of Stickler syndrome (PMID: 8317498; internal data). It has also been observed to segregate with disease in related individuals. This variant is also known as Gly67Asp. ClinVar contains an entry for this variant (Variation ID: 17364). Invitae Evidence Modeling of protein sequence and biophysical properties (such as structural, functional, and spatial information, amino acid conservation, physicochemical variation, residue mobility, and thermodynamic stability) indicates that this missense variant is expected to disrupt COL2A1 protein function with a positive predictive value of 95%. This variant disrupts the triple helix domain of COL2A1. Glycine residues within the Gly-Xaa-Yaa repeats of the triple helix domain are required for the structure and stability of fibrillar collagens (PMID: 7695699, 8218237, 19344236). In COL2A1, variants affecting these glycine residues are significantly enriched in individuals with disease (PMID: 9016532, 17078022) compared to the general population (ExAC). For these reasons, this variant has been classified as Pathogenic.

Blueprint Genetics
Classification: Likely pathogenic for COL2A1-related disorders. Last evaluated: 2019-09-24. Review status: criteria provided, single submitter. Criteria: ACMG Guidelines, 2015. Collection method: clinical testing. Allele origin: germline. Affected: yes. Observed: 1 variant allele.

OMIM
Classification: Pathogenic for STICKLER SYNDROME, TYPE I, NONSYNDROMIC OCULAR. Last evaluated: 2006-07-01. Review status: no assertion criteria provided. Collection method: literature only. Allele origin: germline. Not counted in ClinVar's aggregate classification.

Literature cited by the submitters: PubMed 8317498 (cited by Labcorp Genetics (formerly Invitae), Labcorp and OMIM); PubMed 7695699 (cited by Labcorp Genetics (formerly Invitae), Labcorp); PubMed 8218237 (cited by Labcorp Genetics (formerly Invitae), Labcorp); PubMed 19344236 (cited by Labcorp Genetics (formerly Invitae), Labcorp); PubMed 9016532 (cited by Labcorp Genetics (formerly Invitae), Labcorp); PubMed 17078022 (cited by Labcorp Genetics (formerly Invitae), Labcorp); Wagner, H. Ein bisher unbeknantes Erbleiden des Auges (degeneratio hyaloideo-retinalis hereditaria), beobachtet im Kanton, Zurich. Klin. Monatsbl. Augenheilkd. 100: 840-857, 1938. (cited by OMIM); PubMed 16752401 (cited by OMIM).